The following is an entry in ClinVar:

ClinVar aggregate classification (germline): Uncertain significance. Review status: criteria provided, multiple submitters, no conflicts (2 of 4 stars). 2 submissions from 2 submitters: Uncertain significance (2). Last evaluated 2025-04-23.

Conditions:
Hypertrophic cardiomyopathy. Also called: HYPERTROPHIC MYOCARDIOPATHY. Identifiers: Orphanet 217569, MedGen C0007194, MeSH D002312, MONDO:0005045, HP:0001639.

Allele frequency attached by ClinVar (database versions not stated): ExAC 0.00001; gnomAD 0.00001; gnomAD exomes 0.00001; ESP Exome Variant Server 0.00008.
gnomAD v4.1: 9 of 1,608,842 alleles (0.00056%); highest among the groups gnomAD compares: Middle Eastern, 0.016%; no homozygotes.

Submissions (2):

Labcorp Genetics (formerly Invitae), Labcorp
Classification: Uncertain significance for Hypertrophic cardiomyopathy. Last evaluated: 2025-04-23. Review status: criteria provided, single submitter. Criteria: Invitae Variant Classification Sherloc (09022015). Collection method: clinical testing. Allele origin: germline.
Comment: This sequence change replaces serine, which is neutral and polar, with asparagine, which is neutral and polar, at codon 392 of the JPH2 protein (p.Ser392Asn). The frequency data for this variant in the population databases is considered unreliable, as metrics indicate poor data quality at this position in the gnomAD database. This variant has not been reported in the literature in individuals affected with JPH2-related conditions. ClinVar contains an entry for this variant (Variation ID: 524952). An algorithm developed to predict the effect of missense changes on protein structure and function (PolyPhen-2) suggests that this variant is likely to be disruptive. In summary, the available evidence is currently insufficient to determine the role of this variant in disease. Therefore, it has been classified as a Variant of Uncertain Significance.

GeneDx
Classification: Uncertain significance. Last evaluated: 2019-12-02. Review status: criteria provided, single submitter. Criteria: GeneDx Variant Classification Process June 2021. Collection method: clinical testing. Allele origin: germline. Affected: yes.
Comment: Not observed at a significant frequency in large population cohorts (Lek et al., 2016); In silico analysis, which includes protein predictors and evolutionary conservation, supports a deleterious effect; Has not been previously published as pathogenic or benign to our knowledge; Reported in ClinVar as a variant of uncertain significance but additional evidence is not available (ClinVar Variant ID# 524952; Landrum et al., 2016)

NM_020433.5(JPH2):c.1175G>A (p.Ser392Asn)

Gene: JPH2 (junctophilin 2; minus strand). Cytogenetic location: 20q13.12.
Variant type: single nucleotide variant.
Coding change: c.1175G>A on transcript NM_020433.5 (MANE Select); coding-DNA position 1175, G replaced by A.
Protein change: p.Ser392Asn; replaces serine 392 with asparagine.
Molecular consequence: missense variant.
Genome position (GRCh38, 1-based): chr20:44,118,618, C>T on the plus strand (G>A on the coding strand, the complement: JPH2 is on the minus strand). VCF-style: chr20-44118618-C-T. GRCh37 (hg19) VCF-style: chr20-42747258-C-T.
Other names: short protein forms S392N.
Identifiers: ClinVar variation 524952 (VCV000524952.10), dbSNP rs148621426, ClinGen allele CA9868707.